The following is an entry in ClinVar:

ClinVar aggregate classification (germline): Likely benign (1 of 4 stars; one submission).

gnomAD v4.1: 808 of 1,613,306 alleles (0.05%); highest among the groups gnomAD compares: South Asian, 0.71%; 13 homozygotes.

Submission:

CeGaT Center for Human Genetics Tuebingen
Classification: Likely benign. Last evaluated: 2026-02-01. Review status: criteria provided, single submitter. Criteria: CeGaT Center For Human Genetics Tuebingen Variant Classification Criteria Version 2. Collection method: clinical testing. Allele origin: germline. Affected: yes. Observed: 1 variant allele.
Comment: KRTAP10-10: BP4, BS2

NM_181688.3(KRTAP10-10):c.62A>C (p.Asp21Ala)

Genes: KRTAP10-10 (keratin associated protein 10-10; plus strand), TSPEAR (thrombospondin type laminin G domain and EAR repeats; minus strand). Cytogenetic location: 21q22.3.
Variant type: single nucleotide variant.
Coding change: c.62A>C on transcript NM_181688.3 (MANE Select); coding-DNA position 62, A replaced by C.
Protein change: p.Asp21Ala; replaces aspartic acid 21 with alanine.
Molecular consequence: missense variant. On other transcripts: intron variant (2).
Genome position (GRCh38, 1-based): chr21:44,637,479, A>C. VCF-style: chr21-44637479-A-C. GRCh37 (hg19) VCF-style: chr21-46057396-A-C.
Other names: c.83-69474T>G (NM_144991.3); c.-123+53066T>G (NM_001272037.2); short protein forms D21A.
Identifiers: ClinVar variation 4821309 (VCV004821309.4).
Genomic context (GRCh38, chr21:44,637,479, plus strand): 5'-TGGCCGCCTCCACCATGTCCATCTGCTCCAGCGCCTGCACTGACTCTTGGCGGGTAGTCG[A>C]CTGCCCAGAGAGCTGCTGCGAGCCCTGCTGCTGTGCCCCAGCCCCCAGCTTGACCCTGGT-3'
Protein context (NP_859016.1, residues 11-31): SACTDSWRVV[Asp21Ala]CPESCCEPCC